The following is an entry in ClinVar:

ClinVar aggregate classification (germline): Conflicting classifications of pathogenicity. Review status: criteria provided, conflicting classifications (1 of 4 stars). 4 submissions from 4 submitters: Uncertain significance (3); Likely benign (1). Last evaluated 2026-08-17.

Conditions:
Lynch syndrome. Identifiers: Orphanet 144, MedGen C4552100, MONDO:0005835. Disease mechanism: loss of function.
Hereditary nonpolyposis colorectal neoplasms. Identifiers: MedGen C0009405, MeSH D003123.
Hereditary cancer-predisposing syndrome. Also called: Neoplastic Syndromes, Hereditary; Hereditary Cancer Syndrome; Hereditary neoplastic syndrome; Tumor predisposition. Identifiers: Orphanet 140162, MedGen C0027672, MeSH D009386, MONDO:0015356.

Allele frequency attached by ClinVar (database versions not stated): TOPMed below 0.00001; gnomAD 0.00001.
gnomAD v4.1: 1 of 1,613,540 alleles (0.000062%); highest among the groups gnomAD compares: African/African-American, 0.0013%; no homozygotes.

Submissions (4):

Ambry Genetics
Classification: Likely benign for Hereditary cancer-predisposing syndrome. Last evaluated: 2026-08-17. Review status: criteria provided, single submitter. Criteria: Ambry Variant Classification Scheme 2023. Collection method: clinical testing. Allele origin: germline.

Labcorp Genetics (formerly Invitae), Labcorp
Classification: Uncertain significance for Hereditary nonpolyposis colorectal neoplasms. Last evaluated: 2026-01-05. Review status: criteria provided, single submitter. Criteria: Invitae Variant Classification Sherloc (09022015). Collection method: clinical testing. Allele origin: germline.
Comment: This sequence change replaces glutamine, which is neutral and polar, with lysine, which is basic and polar, at codon 604 of the PMS2 protein (p.Gln604Lys). This variant is not present in population databases (gnomAD no frequency). This variant has not been reported in the literature in individuals affected with PMS2-related conditions. ClinVar contains an entry for this variant (Variation ID: 640333). Invitae Evidence Modeling incorporating data from in vitro experimental studies (internal data) indicates that this missense variant is not expected to disrupt PMS2 function with a negative predictive value of 95%. In summary, the available evidence is currently insufficient to determine the role of this variant in disease. Therefore, it has been classified as a Variant of Uncertain Significance.

GeneDx
Classification: Uncertain significance. Last evaluated: 2024-03-19. Review status: criteria provided, single submitter. Criteria: GeneDx Variant Classification Process June 2021. Collection method: clinical testing. Allele origin: germline. Affected: yes.
Comment: Not observed at significant frequency in large population cohorts (gnomAD); In silico analysis supports that this missense variant does not alter protein structure/function; Has not been previously published as pathogenic or benign to our knowledge

All of Us Research Program, National Institutes of Health
Classification: Uncertain significance for Lynch syndrome. Last evaluated: 2023-10-02. Review status: criteria provided, single submitter. Criteria: ACMG Guidelines, 2015. Collection method: clinical testing. Allele origin: germline. Inheritance: Autosomal dominant inheritance. Observed: 1 variant allele, 1 heterozygote.
Comment: This missense variant replaces glutamine with lysine at codon 604 of the PMS2 protein. Computational prediction suggests that this variant may not impact protein structure and function (internally defined REVEL score threshold <= 0.5, PMID: 27666373). To our knowledge, functional studies have not been reported for this variant. This variant has not been reported in individuals affected with PMS2-related disorders in the literature. This variant has not been identified in the general population by the Genome Aggregation Database (gnomAD). The available evidence is insufficient to determine the role of this variant in disease conclusively. Therefore, this variant is classified as a Variant of Uncertain Significance.

This study involves interpretation of variants in research participants for the purpose of population health screening. Participant phenotype was not available at the time of variant classification. Additional details can be found in publication PMID: 35346344, PMCID: PMC8962531

NM_000535.7(PMS2):c.1810C>A (p.Gln604Lys)

Gene: PMS2 (PMS1 homolog 2, mismatch repair system component; minus strand). Cytogenetic location: 7p22.1.
Variant type: single nucleotide variant.
Coding change: c.1810C>A on transcript NM_000535.7 (MANE Select); coding-DNA position 1810, C replaced by A.
Protein change: p.Gln604Lys; replaces glutamine 604 with lysine.
Molecular consequence: missense variant. On other transcripts: non-coding transcript variant (1).
Genome position (GRCh38, 1-based): chr7:5,986,955, G>T on the plus strand (C>A on the coding strand, the complement: PMS2 is on the minus strand). VCF-style: chr7-5986955-G-T. GRCh37 (hg19) VCF-style: chr7-6026586-G-T.
Other names: c.1237C>A, p.Gln413Lys (NM_001322013.2); c.1810C>A, p.Gln604Lys (NM_001322014.2); c.1501C>A, p.Gln501Lys (NM_001322015.2); c.1405C>A, p.Gln469Lys (NM_001322003.2, NM_001322004.2, NM_001322005.2 and 1 more transcripts); c.1654C>A, p.Gln552Lys (NM_001322006.2); c.1492C>A, p.Gln498Lys (NM_001322007.2, NM_001322008.2); c.1249C>A, p.Gln417Lys (NM_001322010.2); c.877C>A, p.Gln293Lys (NM_001322011.2, NM_001322012.2); short protein forms Q501K, Q293K, Q413K, Q469K, Q498K, Q552K, Q417K, Q604K.
Identifiers: ClinVar variation 640333 (VCV000640333.15), dbSNP rs1064793426, ClinGen allele CA366739744.
Genomic context (GRCh38, chr7:5,986,955, plus strand): 5'-AACTCATAGAAAAGTCCAGGGGCACAACTTTCTTATTAATTTTCACAGCTACATCAACCT[G>T]AGAGGCTGACATGTCCTGAGTATTTACTAACTTTTGACAAATGTCAGAACTGGAAAGAAT-3'
Protein context (NP_000526.2, residues 594-614): LVNTQDMSAS[Gln604Lys]VDVAVKINKK